The following is an entry in ClinVar:

ClinVar aggregate classification (germline): Conflicting classifications of pathogenicity. Review status: criteria provided, conflicting classifications (1 of 4 stars). 4 submissions from 4 submitters: Uncertain significance (1); Likely benign (3). Last evaluated 2025-12-30.

Conditions:
Long QT syndrome (LQTS). Identifiers: MedGen C0023976, MeSH D008133, MONDO:0002442. Disease mechanism: loss of function. Inheritance: Various modes of inheritance.
Cardiovascular phenotype. Identifiers: MedGen CN230736.

Allele frequency attached by ClinVar (database versions not stated): ESP Exome Variant Server 0.00023; gnomAD 0.00024 and 0.00026; TOPMed 0.00026.
gnomAD v4.1: 581 of 1,608,864 alleles (0.036%); highest among the groups gnomAD compares: Non-Finnish European, 0.046%; no homozygotes.

Submissions (4):

Labcorp Genetics (formerly Invitae), Labcorp
Classification: Uncertain significance for Long QT syndrome. Last evaluated: 2025-12-30. Review status: criteria provided, single submitter. Criteria: Invitae Variant Classification Sherloc (09022015). Collection method: clinical testing. Allele origin: germline.
Comment: This sequence change replaces isoleucine, which is neutral and non-polar, with valine, which is neutral and non-polar, at codon 2886 of the AKAP9 protein (p.Ile2886Val). This variant is present in population databases (rs143283097, gnomAD 0.03%). This missense change has been observed in individual(s) with Brugada syndrome (PMID: 26230511). ClinVar contains an entry for this variant (Variation ID: 222489). An algorithm developed to predict the effect of missense changes on protein structure and function outputs the following: PolyPhen-2: "Benign". The valine amino acid residue is found in multiple mammalian species, which suggests that this missense change does not adversely affect protein function. In summary, the available evidence is currently insufficient to determine the role of this variant in disease. Therefore, it has been classified as a Variant of Uncertain Significance.

Blueprint Genetics
Classification: Likely benign. Last evaluated: 2024-08-12. Review status: criteria provided, single submitter. Criteria: ACMG Guidelines, 2015. Collection method: clinical testing. Allele origin: germline.

Women's Health and Genetics/Laboratory Corporation of America, LabCorp
Classification: Likely benign. Last evaluated: 2023-08-21. Review status: criteria provided, single submitter. Criteria: LabCorp Variant Classification Summary - May 2015. Collection method: clinical testing. Allele origin: germline.
Comment: Variant summary: AKAP9 c.8656A>G (p.Ile2886Val) results in a conservative amino acid change in the encoded protein sequence. Four of five in-silico tools predict a benign effect of the variant on protein function. The variant allele was found at a frequency of 0.00019 in 282002 control chromosomes (gnomAD, Le Scouarnec_2015), predominantly at a frequency of 0.00033 within the Non-Finnish European subpopulation in the gnomAD database. The observed variant frequency within Non-Finnish European control individuals in the gnomAD database is approximately 99 fold of the estimated maximal expected allele frequency for a pathogenic variant in AKAP9 causing Long QT Syndrome (3.3e-06), strongly suggesting that the variant is a benign polymorphism found primarily in populations of Non-Finnish European origin. c.8656A>G has been reported in the literature in individuals affected with Brugada Syndrome as well as in asymptomatic individuals (Allegue_2015, Campuzano_2019). These reports do not provide unequivocal conclusions about association of the variant with Long QT Syndrome. To our knowledge, no experimental evidence demonstrating an impact on protein function has been reported. The following publications have been ascertained in the context of this evaluation (PMID: 26230511, 30821013, 25650408). Three ClinVar submitters have assessed the variant since 2014: one classified the variant as uncertain significance and two as likely benign. Based on the evidence outlined above, the variant was classified as likely benign.

Ambry Genetics
Classification: Likely benign for Cardiovascular phenotype. Last evaluated: 2019-04-24. Review status: criteria provided, single submitter. Criteria: Ambry Variant Classification Scheme 2023. Collection method: clinical testing. Allele origin: germline.

Literature cited by the submitters: PubMed 26230511 (cited by 3 submitters); PubMed 25650408 (cited by Women's Health and Genetics/Laboratory Corporation of America, LabCorp); PubMed 30821013 (cited by Women's Health and Genetics/Laboratory Corporation of America, LabCorp and Ambry Genetics).

NM_005751.5(AKAP9):c.8656A>G (p.Ile2886Val)

Gene: AKAP9 (A-kinase anchoring protein 9; plus strand). Cytogenetic location: 7q21.2.
Variant type: single nucleotide variant.
Coding change: c.8656A>G on transcript NM_005751.5 (MANE Select); coding-DNA position 8656, A replaced by G.
Protein change: p.Ile2886Val; replaces isoleucine 2886 with valine.
Molecular consequence: missense variant.
Genome position (GRCh38, 1-based): chr7:92,084,649, A>G. VCF-style: chr7-92084649-A-G. GRCh37 (hg19) VCF-style: chr7-91713963-A-G.
Other names: c.3301A>G, p.Ile1101Val (NM_001379277.1); c.8632A>G, p.Ile2878Val (NM_147185.3); short protein forms I2886V, I2878V, I1101V.
Identifiers: ClinVar variation 222489 (VCV000222489.14), dbSNP rs143283097, ClinGen allele CA354883.